The following is an entry in ClinVar:

NM_001040142.2(SCN2A):c.3275A>T (p.Tyr1092Phe)

Gene: SCN2A (sodium voltage-gated channel alpha subunit 2; plus strand). Cytogenetic location: 2q24.3.
Variant type: single nucleotide variant.
Coding change: c.3275A>T on transcript NM_001040142.2 (MANE Select); coding-DNA position 3275, A replaced by T.
Protein change: p.Tyr1092Phe; replaces tyrosine 1092 with phenylalanine.
Molecular consequence: missense variant.
Genome position (GRCh38, 1-based): chr2:165,354,547, A>T. VCF-style: chr2-165354547-A-T. GRCh37 (hg19) VCF-style: chr2-166211057-A-T.
Other names: c.3275A>T, p.Tyr1092Phe (NM_001040143.2, NM_001371246.1, NM_001371247.1 and 1 more transcripts); short protein forms Y1092F.
Identifiers: ClinVar variation 1407644 (VCV001407644.8), dbSNP rs2105337416, ClinGen allele CA349021652.
Genomic context (GRCh38, chr2:165,354,547, plus strand): 5'-ATGGAACTACTAGTGGCATAGGCAGCAGTGTAGAAAAATATGTCGTGGATGAAAGTGATT[A>T]CATGTCATTTATAAACAACCCTAGCCTCACTGTGACAGTACCAATTGCTGTTGGAGAATC-3'
Protein context (NP_001035232.1, residues 1082-1102): VEKYVVDESD[Tyr1092Phe]MSFINNPSLT

ClinVar aggregate classification (germline): Uncertain significance (1 of 4 stars; one submission).

Conditions:
Seizures, benign familial infantile, 3 (BFIS3). Also called: Familial neonatal seizures; CONVULSIONS, BENIGN FAMILIAL INFANTILE, 3. Identifiers: Orphanet 140927, Orphanet 306, MedGen C1843140, MONDO:0011904, OMIM 607745.
Developmental and epileptic encephalopathy, 11 (DEE11). Also called: Early infantile epileptic encephalopathy 11. Identifiers: Orphanet 1934, MedGen C3150987, MONDO:0013388, OMIM 613721.

Allele frequency attached by ClinVar (database versions not stated): gnomAD exomes below 0.00001.
gnomAD v4.1: 3 of 1,614,156 alleles (0.00019%); highest among the groups gnomAD compares: Non-Finnish European, 0.00025%; no homozygotes.

Submission:

Labcorp Genetics (formerly Invitae), Labcorp
Classification: Uncertain significance for Seizures, benign familial infantile, 3; Developmental and epileptic encephalopathy, 11. Last evaluated: 2022-06-13. Review status: criteria provided, single submitter. Criteria: Invitae Variant Classification Sherloc (09022015). Collection method: clinical testing. Allele origin: germline.
Comment: In summary, the available evidence is currently insufficient to determine the role of this variant in disease. Therefore, it has been classified as a Variant of Uncertain Significance. Algorithms developed to predict the effect of missense changes on protein structure and function are either unavailable or do not agree on the potential impact of this missense change (SIFT: "Deleterious"; PolyPhen-2: "Possibly Damaging"; Align-GVGD: "Class C0"). This variant has not been reported in the literature in individuals affected with SCN2A-related conditions. This variant is not present in population databases (gnomAD no frequency). This sequence change replaces tyrosine, which is neutral and polar, with phenylalanine, which is neutral and non-polar, at codon 1092 of the SCN2A protein (p.Tyr1092Phe).